The following is an entry in ClinVar:

NM_020457.3(THAP11):c.673A>G (p.Met225Val)

Genes: CENPT (centromere protein T; minus strand), THAP11 (THAP domain containing 11; plus strand). Cytogenetic location: 16q22.1.
Variant type: single nucleotide variant.
Coding change: c.673A>G on transcript NM_020457.3 (MANE Select); coding-DNA position 673, A replaced by G.
Protein change: p.Met225Val; replaces methionine 225 with valine.
Molecular consequence: missense variant. On other transcripts: intron variant (1).
Genome position (GRCh38, 1-based): chr16:67,843,227, A>G. VCF-style: chr16-67843227-A-G. GRCh37 (hg19) VCF-style: chr16-67877130-A-G.
Other names: c.-492+4174T>C (NM_025082.4); short protein forms M225V.
Identifiers: ClinVar variation 3664596 (VCV003664596.2).
Genomic context (GRCh38, chr16:67,843,227, plus strand): 5'-GCGGCCGCCGCGTCGGAGTTACAGGCTGCTACCGCAGGGCTGGAGGCTGCCGAGTGCCCT[A>G]TGGGCCCCCAGTTGGTGGTGGTAGGGGAAGAGGGCTTCCCTGATACTGGCTCCGACCATT-3'
Protein context (NP_065190.2, residues 215-235): TAGLEAAECP[Met225Val]GPQLVVVGEE

ClinVar aggregate classification (germline): Uncertain significance (1 of 4 stars; one submission).

gnomAD v4.1: 6 of 1,611,842 alleles (0.00037%); highest among the groups gnomAD compares: African/African-American, 0.0027%; no homozygotes.

Submission:

Labcorp Genetics (formerly Invitae), Labcorp
Classification: Uncertain significance. Last evaluated: 2024-05-17. Review status: criteria provided, single submitter. Criteria: Invitae Variant Classification Sherloc (09022015). Collection method: clinical testing. Allele origin: germline.
Comment: This sequence change replaces methionine, which is neutral and non-polar, with valine, which is neutral and non-polar, at codon 225 of the THAP11 protein (p.Met225Val). The frequency data for this variant in the population databases is considered unreliable, as metrics indicate poor data quality at this position in the gnomAD database. This variant has not been reported in the literature in individuals affected with THAP11-related conditions. Advanced modeling of protein sequence and biophysical properties (such as structural, functional, and spatial information, amino acid conservation, physicochemical variation, residue mobility, and thermodynamic stability) performed at Invitae indicates that this missense variant is not expected to disrupt THAP11 protein function with a negative predictive value of 80%. In summary, the available evidence is currently insufficient to determine the role of this variant in disease. Therefore, it has been classified as a Variant of Uncertain Significance.